The following is an entry in ClinVar:

ClinVar aggregate classification (germline): Pathogenic (1 of 4 stars; one submission).

Conditions:
Epidermolysis bullosa simplex with nail dystrophy (EBS5D). Identifiers: MedGen C4225309, MONDO:0014661, OMIM 616487.
Epidermolysis bullosa simplex 5B, with muscular dystrophy (EBS5B). Also called: EPIDERMOLYSIS BULLOSA SIMPLEX AND LIMB-GIRDLE MUSCULAR DYSTROPHY; Epidermolysis bullosa simplex with muscular dystrophy. Identifiers: Orphanet 257, MedGen C2931072, MONDO:0009181, OMIM 226670.
Epidermolysis bullosa simplex, Ogna type (EBS5A). Also called: Pidermolysis bullosa simplex 5A, Ogna type; EPIDERMOLYSIS BULLOSA SIMPLEX 5A, OGNA TYPE. Identifiers: Orphanet 79401, MedGen C0432317, MONDO:0007555, OMIM 131950.
Epidermolysis bullosa simplex 5C, with pyloric atresia (EBS5C). Also called: Epidermolysis bullosa simplex with pyloric atresia; PLEC-Related Epidermolysis Bullosa with Pyloric Atresia; PLEC1-Related Epidermolysis Bullosa with Pyloric Atresia. Identifiers: Orphanet 158684, MedGen C2677349, MONDO:0012807, OMIM 612138.
Autosomal recessive limb-girdle muscular dystrophy type 2Q (LGMDR17). Also called: MUSCULAR DYSTROPHY, LIMB-GIRDLE, AUTOSOMAL RECESSIVE 17. Identifiers: Orphanet 254361, MedGen C3150989, MONDO:0013390, OMIM 613723.

Submission:

Labcorp Genetics (formerly Invitae), Labcorp
Classification: Pathogenic for Autosomal recessive limb-girdle muscular dystrophy type 2Q; Epidermolysis bullosa simplex, Ogna type; Epidermolysis bullosa simplex with nail dystrophy; Epidermolysis bullosa simplex 5C, with pyloric atresia; Epidermolysis bullosa simplex 5B, with muscular dystrophy. Last evaluated: 2022-09-13. Review status: criteria provided, single submitter. Criteria: Invitae Variant Classification Sherloc (09022015). Collection method: clinical testing. Allele origin: germline.
Comment: This sequence change creates a premature translational stop signal (p.Leu2815Profs*51) in the PLEC gene. While this is not anticipated to result in nonsense mediated decay, it is expected to disrupt the last 1760 amino acid(s) of the PLEC protein. This variant is not present in population databases (gnomAD no frequency). This variant has not been reported in the literature in individuals affected with PLEC-related conditions. This variant disrupts a region of the PLEC protein in which other variant(s) (p.Arg4167*) have been determined to be pathogenic (PMID: 23289980, 31513275). This suggests that this is a clinically significant region of the protein, and that variants that disrupt it are likely to be disease-causing. For these reasons, this variant has been classified as Pathogenic.

Literature cited by the submitters: PubMed 23289980; PubMed 31513275.

NM_201384.3(PLEC):c.8363_8366del (p.Leu2788fs)

Gene: PLEC (plectin; minus strand). Cytogenetic location: 8q24.3.
Variant type: Deletion.
Coding change: c.8363_8366del on transcript NM_201384.3 (MANE Select); coding-DNA positions 8363 to 8366, 4 bases deleted (TCTT; older notation c.8363_8366delTCTT).
Protein change: p.Leu2788fs; shifts the reading frame from leucine 2788.
Molecular consequence: frameshift variant.
Genome position (GRCh38, 1-based): chr8:143,921,455-143,921,458, AAGA deleted on the plus strand (TCTT on the coding strand, the reverse complement: PLEC is on the minus strand). VCF-style (leftmost placement, unchanged base first): chr8-143921454-GAAGA-G. GRCh37 (hg19) VCF-style: chr8-144995622-GAAGA-G.
Other names: c.8444_8447del, p.Leu2815fs (NM_000445.5); c.5063_5066delTCTT, p.Leu1688Profs (NM_001410941.1); c.8321_8324del, p.Leu2774fs (NM_201378.4); c.8297_8300del, p.Leu2766fs (NM_201379.3); c.8774_8777del, p.Leu2925fs (NM_201380.4); c.8267_8270del, p.Leu2756fs (NM_201381.3); c.8363_8366del, p.Leu2788fs (NM_201382.4); c.8375_8378del, p.Leu2792fs (NM_201383.3); short protein forms L2756fs, L2774fs, L2792fs, L2766fs, L2815fs, L2788fs, L2925fs.
Identifiers: ClinVar variation 2186440 (VCV002186440.1), dbSNP rs2537472769, ClinGen allele CA645547964.